The following is an entry in ClinVar:

ClinVar aggregate classification (germline): Uncertain significance. Review status: criteria provided, multiple submitters, no conflicts (2 of 4 stars). 4 submissions from 4 submitters: Uncertain significance (4). Last evaluated 2025-03-19.

Conditions:
Wolfram syndrome 1 (WFS1). Identifiers: Orphanet 3463, MedGen C4551693, MONDO:0009101, OMIM 222300.
Wolfram-like syndrome. Also called: HEARING LOSS, PROGRESSIVE, WITH OPTIC ATROPHY AND/OR IMPAIRED GLUCOSE REGULATION. Identifiers: Orphanet 411590, MedGen C3280358, MONDO:0013673, OMIM 614296.
Cataract 41 (CTRCT41). Also called: CATARACT 41, CONGENITAL NUCLEAR TYPE. Identifiers: Orphanet 91492, Orphanet 98991, Orphanet 98992, Orphanet 98995, MedGen C3805412, MONDO:0007287, OMIM 116400.
Autosomal dominant nonsyndromic hearing loss 6 (LFSNHL). Also called: Autosomal dominant nonsyndromic deafness 6; DEAFNESS, AUTOSOMAL DOMINANT 14; DEAFNESS, AUTOSOMAL DOMINANT 38; DEAFNESS, AUTOSOMAL DOMINANT 6. Identifiers: Orphanet 90635, MedGen C1833021, MONDO:0010963, OMIM 600965.
Type 2 diabetes mellitus. Also called: Type II diabetes mellitus. Identifiers: MedGen C0011860, MeSH D003924, MONDO:0005148, OMIM 125853, HP:0005978.

Allele frequency attached by ClinVar (database versions not stated): gnomAD 0.00001; gnomAD exomes 0.00001; TOPMed 0.00001.

Submissions (4):

Labcorp Genetics (formerly Invitae), Labcorp
Classification: Uncertain significance. Last evaluated: 2025-03-19. Review status: criteria provided, single submitter. Criteria: Invitae Variant Classification Sherloc (09022015). Collection method: clinical testing. Allele origin: germline.
Comment: This sequence change replaces proline, which is neutral and non-polar, with serine, which is neutral and polar, at codon 7 of the WFS1 protein (p.Pro7Ser). The frequency data for this variant in the population databases is considered unreliable, as metrics indicate poor data quality at this position in the gnomAD database. This variant has not been reported in the literature in individuals affected with WFS1-related conditions. ClinVar contains an entry for this variant (Variation ID: 1386448). Invitae Evidence Modeling of protein sequence and biophysical properties (such as structural, functional, and spatial information, amino acid conservation, physicochemical variation, residue mobility, and thermodynamic stability) indicates that this missense variant is not expected to disrupt WFS1 protein function with a negative predictive value of 80%. In summary, the available evidence is currently insufficient to determine the role of this variant in disease. Therefore, it has been classified as a Variant of Uncertain Significance.

GeneDx
Classification: Uncertain significance. Last evaluated: 2025-01-31. Review status: criteria provided, single submitter. Criteria: GeneDx Variant Classification Process June 2021. Collection method: clinical testing. Allele origin: germline. Affected: yes.
Comment: Not observed at significant frequency in large population cohorts (gnomAD); In silico analysis indicates that this missense variant does not alter protein structure/function; Has not been previously published as pathogenic or benign to our knowledge

Fulgent Genetics
Classification: Uncertain significance for Cataract 41; Type 2 diabetes mellitus; Wolfram syndrome 1; Autosomal dominant nonsyndromic hearing loss 6; Wolfram-like syndrome. Last evaluated: 2021-12-05. Review status: criteria provided, single submitter. Criteria: ACMG Guidelines, 2015. Collection method: clinical testing. Allele origin: unknown.

Blueprint Genetics
Classification: Uncertain significance. Last evaluated: 2018-01-31. Review status: criteria provided, single submitter. Criteria: ACMG Guidelines, 2015. Collection method: clinical testing. Allele origin: germline.

NM_006005.3(WFS1):c.19C>T (p.Pro7Ser)

Gene: WFS1 (wolframin ER transmembrane glycoprotein; plus strand). Cytogenetic location: 4p16.1.
Variant type: single nucleotide variant.
Coding change: c.19C>T on transcript NM_006005.3 (MANE Select); coding-DNA position 19, C replaced by T.
Protein change: p.Pro7Ser; replaces proline 7 with serine.
Molecular consequence: missense variant.
Genome position (GRCh38, 1-based): chr4:6,277,474, C>T. VCF-style: chr4-6277474-C-T. GRCh37 (hg19) VCF-style: chr4-6279201-C-T.
Other names: c.19C>T, p.Pro7Ser (NM_001145853.1); short protein forms P7S.
Identifiers: ClinVar variation 1386448 (VCV001386448.11), dbSNP rs1432704019, ClinGen allele CA356169354.
Genomic context (GRCh38, chr4:6,277,474, plus strand): 5'-CGGTGCTGGATGTGCCTGACCTTGACTTTTCTTCCAGGCAGGATGGACTCCAACACTGCT[C>T]CGCTGGGCCCCTCCTGCCCACAGCCCCCGCCAGCACCGCAGCCCCAGGCGCGTTCCCGAC-3'
Protein context (NP_005996.2, residues 1-17): MDSNTA[Pro7Ser]LGPSCPQPPP